The following is an entry in ClinVar:

NM_006087.4(TUBB4A):c.673C>T (p.Leu225Phe)

Gene: TUBB4A (tubulin beta 4A class IVa; minus strand). Cytogenetic location: 19p13.3.
Variant type: single nucleotide variant.
Coding change: c.673C>T on transcript NM_006087.4 (MANE Select); coding-DNA position 673, C replaced by T.
Protein change: p.Leu225Phe; replaces leucine 225 with phenylalanine.
Molecular consequence: missense variant.
Genome position (GRCh38, 1-based): chr19:6,495,826, G>A on the plus strand (C>T on the coding strand, the complement: TUBB4A is on the minus strand). VCF-style: chr19-6495826-G-A. GRCh37 (hg19) VCF-style: chr19-6495837-G-A.
Other names: c.826C>T, p.Leu276Phe (NM_001289123.2); c.808C>T, p.Leu270Phe (NM_001289127.2); c.673C>T, p.Leu225Phe (NM_001289129.2); c.457C>T, p.Leu153Phe (NM_001289130.2, NM_001289131.2); short protein forms L225F, L276F, L153F, L270F.
Identifiers: ClinVar variation 578590 (VCV000578590.13), dbSNP rs1568409639, ClinGen allele CA403591579.

ClinVar aggregate classification (germline): Conflicting classifications of pathogenicity. Review status: criteria provided, conflicting classifications (1 of 4 stars). 4 submissions from 4 submitters: Pathogenic (1); Likely pathogenic (1); Uncertain significance (2). Last evaluated 2025-05-12.

Conditions:
Leukodystrophy, hypomyelinating, 6. Also called: TUBB4A-Associated Leukodystrophy; LEUKODYSTROPHY, HYPOMYELINATING, WITH ATROPHY OF THE BASAL GANGLIA AND CEREBELLUM; Hypomyelination with Atrophy of Basal Ganglia and Cerebellum (H-ABC). Identifiers: Orphanet 139441, MedGen C2676244, MONDO:0012905, OMIM 612438.

Submissions (4):

3billion
Classification: Uncertain significance for Leukodystrophy, hypomyelinating, 6. Last evaluated: 2025-05-12. Review status: criteria provided, single submitter. Criteria: ACMG Guidelines, 2015. Collection method: clinical testing. Allele origin: germline. Affected: yes.
Comment: The variant is not observed in the gnomAD v4.1.0 dataset. Predicted Consequence/Location: Missense variant. Missense changes are a common disease-causing mechanism. In silico tool predictions suggest damaging effect of the variant on gene or gene product [REVEL: 0.83 (>=0.6, sensitivity 0.68 and specificity 0.92)]. The same nucleotide change resulting in the same amino acid change has been previously reported to be associated with TUBB4A-related disorder (ClinVar ID: VCV000578590). Therefore, this variant is classified as VUS according to the recommendation of ACMG/AMP guideline.

Institute of Immunology and Genetics Kaiserslautern
Classification: Pathogenic for Leukodystrophy, hypomyelinating, 6. Last evaluated: 2024-04-25. Review status: criteria provided, single submitter. Criteria: ACMG Guidelines, 2015. Collection method: clinical testing. Allele origin: de novo. Affected: yes.
Comment: ACMG Criteria: PM2, PP3, PM1, PP2, PS2; Variant was found in heterozygous state

MGZ Medical Genetics Center
Classification: Likely pathogenic for Leukodystrophy, hypomyelinating, 6. Last evaluated: 2021-07-08. Review status: criteria provided, single submitter. Criteria: ACMG Guidelines, 2015. Collection method: clinical testing. Allele origin: germline. Affected: yes. Observed: 1 variant allele.
Comment: ACMG criteria applied: PS2_MOD, PS4_SUP, PM2_SUP, PP2, PP3

Labcorp Genetics (formerly Invitae), Labcorp
Classification: Uncertain significance for Leukodystrophy, hypomyelinating, 6. Last evaluated: 2018-05-08. Review status: criteria provided, single submitter. Criteria: Invitae Variant Classification Sherloc (09022015). Collection method: clinical testing. Allele origin: germline.
Comment: This sequence change replaces leucine with phenylalanine at codon 225 of the TUBB4A protein (p.Leu225Phe). The leucine residue is highly conserved and there is a small physicochemical difference between leucine and phenylalanine. This variant is not present in population databases (ExAC no frequency). This variant has not been reported in the literature in individuals with TUBB4A-related disease. Algorithms developed to predict the effect of missense changes on protein structure and function do not agree on the potential impact of this missense change (SIFT: "Deleterious"; PolyPhen-2: "Probably Damaging"; Align-GVGD: "Class C0"). In summary, the available evidence is currently insufficient to determine the role of this variant in disease. Therefore, it has been classified as a Variant of Uncertain Significance.